The following is an entry in ClinVar:

NM_032888.4(COL27A1):c.2914C>T (p.Pro972Ser)

Gene: COL27A1 (collagen type XXVII alpha 1 chain; plus strand). Cytogenetic location: 9q32.
Variant type: single nucleotide variant.
Coding change: c.2914C>T on transcript NM_032888.4 (MANE Select); coding-DNA position 2914, C replaced by T.
Protein change: p.Pro972Ser; replaces proline 972 with serine.
Molecular consequence: missense variant.
Genome position (GRCh38, 1-based): chr9:114,243,540, C>T. VCF-style: chr9-114243540-C-T. GRCh37 (hg19) VCF-style: chr9-117005820-C-T.
Other names: c.2914C>T (NM_032888.2); short protein forms P972S.
Identifiers: ClinVar variation 2199179 (VCV002199179.3), dbSNP rs532856260, ClinGen allele CA5202140.

ClinVar aggregate classification (germline): Uncertain significance. Review status: criteria provided, multiple submitters, no conflicts (2 of 4 stars). 3 submissions from 3 submitters: Uncertain significance (3). Last evaluated 2023-11-09.

Conditions:
Inborn genetic diseases. Identifiers: MedGen C0950123, MeSH D030342.

Allele frequency attached by ClinVar (database versions not stated): gnomAD exomes 0.00001; ExAC 0.00002; gnomAD 0.00011; TOPMed 0.00013; 1000 Genomes Project 30x 0.00016; 1000 Genomes Project 0.00020.

Submissions (3):

Ambry Genetics
Classification: Uncertain significance for Inborn genetic diseases. Last evaluated: 2023-11-09. Review status: criteria provided, single submitter. Criteria: Ambry Variant Classification Scheme 2023. Collection method: clinical testing. Allele origin: germline.

Labcorp Genetics (formerly Invitae), Labcorp
Classification: Uncertain significance. Last evaluated: 2022-05-31. Review status: criteria provided, single submitter. Criteria: Invitae Variant Classification Sherloc (09022015). Collection method: clinical testing. Allele origin: germline.
Comment: This sequence change replaces proline, which is neutral and non-polar, with serine, which is neutral and polar, at codon 972 of the COL27A1 protein (p.Pro972Ser). This variant is present in population databases (rs532856260, gnomAD 0.04%). This variant has not been reported in the literature in individuals affected with COL27A1-related conditions. Advanced modeling of protein sequence and biophysical properties (such as structural, functional, and spatial information, amino acid conservation, physicochemical variation, residue mobility, and thermodynamic stability) performed at Invitae indicates that this missense variant is not expected to disrupt COL27A1 protein function. Algorithms developed to predict the effect of sequence changes on RNA splicing suggest that this variant may create or strengthen a splice site. In summary, the available evidence is currently insufficient to determine the role of this variant in disease. Therefore, it has been classified as a Variant of Uncertain Significance.

Breakthrough Genomics
Classification: Uncertain significance. Review status: criteria provided, single submitter. Criteria: ACMG Guidelines, 2015. Collection method: not provided. Allele origin: germline. Inheritance: Autosomal recessive inheritance. Affected: yes.